The following is an entry in ClinVar:

NM_176812.5(CHMP4B):c.469G>A (p.Glu157Lys)

Gene: CHMP4B (charged multivesicular body protein 4B; plus strand). Cytogenetic location: 20q11.22.
Variant type: single nucleotide variant.
Coding change: c.469G>A on transcript NM_176812.5 (MANE Select); coding-DNA position 469, G replaced by A.
Protein change: p.Glu157Lys; replaces glutamic acid 157 with lysine.
Molecular consequence: missense variant.
Genome position (GRCh38, 1-based): chr20:33,851,052, G>A. VCF-style: chr20-33851052-G-A. GRCh37 (hg19) VCF-style: chr20-32438858-G-A.
Other names: short protein forms E157K.
Identifiers: ClinVar variation 3393789 (VCV003393789.1).

ClinVar aggregate classification (germline): Uncertain significance (1 of 4 stars; one submission).

Submission:

GeneDx
Classification: Uncertain significance. Last evaluated: 2024-07-05. Review status: criteria provided, single submitter. Criteria: GeneDx Variant Classification Process June 2021. Collection method: clinical testing. Allele origin: germline. Affected: yes.
Comment: Not observed at significant frequency in large population cohorts (gnomAD); In silico analysis indicates that this missense variant does not alter protein structure/function; Has not been previously published as pathogenic or benign to our knowledge